The following is an entry in ClinVar:

NM_133259.4(LRPPRC):c.138dup (p.Pro47fs)

Gene: LRPPRC (leucine rich pentatricopeptide repeat containing; minus strand). Cytogenetic location: 2p21.
Variant type: Duplication.
Coding change: c.138dup on transcript NM_133259.4 (MANE Select); coding-DNA position 138, one base duplicated (G; older notation c.138dupG).
Protein change: p.Pro47fs; shifts the reading frame from proline 47.
Molecular consequence: frameshift variant.
Genome position (GRCh38, 1-based): chr2:43,995,810, C duplicated on the plus strand (G on the coding strand, the reverse complement: LRPPRC is on the minus strand); the first of 3 consecutive C bases (chr2:43,995,810-43,995,812); duplicating any one gives the same sequence. VCF-style (leftmost placement, unchanged base first): chr2-43995809-G-GC. GRCh37 (hg19) VCF-style: chr2-44222948-G-GC.
Other names: short protein forms P47fs.
Identifiers: ClinVar variation 5012125 (VCV005012125.1).
Genomic context (GRCh38, chr2:43,995,809, plus strand): 5'-GGGGGACCCTGGCGCCGCAGCTTGCCTGGAGAAAGGGCCTGGGCACTCACCCGGCCACGG[G>GC]CCCGGCGCGAGCGGCGGGCAGATAGGAGGCGGCATGCAGCCGGCCCGGGCCGCCAGGGAG-3'

ClinVar aggregate classification (germline): Pathogenic (1 of 4 stars; one submission).

Conditions:
Congenital lactic acidosis, Saguenay-Lac-Saint-Jean type (MC4DN5). Also called: CYTOCHROME c OXIDASE DEFICIENCY, FRENCH CANADIAN TYPE; COX DEFICIENCY, FRENCH CANADIAN TYPE; MITOCHONDRIAL COMPLEX IV DEFICIENCY, NUCLEAR TYPE 5. Identifiers: Orphanet 70472, MedGen C1857355, MONDO:0009069, OMIM 220111.

Submission:

Myriad Genetics, Inc.
Classification: Pathogenic for Congenital lactic acidosis, Saguenay-Lac-Saint-Jean type. Last evaluated: 2023-09-27. Review status: criteria provided, single submitter. Criteria: Myriad Autosomal Dominant, Autosomal Recessive and X-Linked Classification Criteria (2023). Collection method: clinical testing. Allele origin: unknown.
Comment: NM_133259.3(LRPPRC):c.138dupG(P47Afs*31) is expected to be pathogenic in the context of Leigh syndrome, French-Canadian type. This variant is predicted to lead to an abnormal or absent protein product due to the creation of a premature termination codon in LRPPRC, a gene where loss-of-function variants are known to be pathogenic. Please note: this variant was assessed in the context of healthy population screening.